The following is an entry in ClinVar:

NM_000428.3(LTBP2):c.2680G>A (p.Asp894Asn)

Gene: LTBP2 (latent transforming growth factor beta binding protein 2; minus strand). Cytogenetic location: 14q24.3.
Variant type: single nucleotide variant.
Coding change: c.2680G>A on transcript NM_000428.3 (MANE Select); coding-DNA position 2680, G replaced by A.
Protein change: p.Asp894Asn; replaces aspartic acid 894 with asparagine.
Molecular consequence: missense variant.
Genome position (GRCh38, 1-based): chr14:74,522,019, C>T on the plus strand (G>A on the coding strand, the complement: LTBP2 is on the minus strand). VCF-style: chr14-74522019-C-T. GRCh37 (hg19) VCF-style: chr14-74988722-C-T.
Other names: short protein forms D894N.
Identifiers: ClinVar variation 1370787 (VCV001370787.3), dbSNP rs2139710022, ClinGen allele CA390392096.

ClinVar aggregate classification (germline): Uncertain significance (1 of 4 stars; one submission).

Allele frequency attached by ClinVar (database versions not stated): gnomAD exomes below 0.00001.
gnomAD v4.1: 1 of 1,613,400 alleles (0.000062%); highest among the groups gnomAD compares: Non-Finnish European, 0.000085%; no homozygotes.

Submission:

Labcorp Genetics (formerly Invitae), Labcorp
Classification: Uncertain significance. Last evaluated: 2021-07-28. Review status: criteria provided, single submitter. Criteria: Invitae Variant Classification Sherloc (09022015). Collection method: clinical testing. Allele origin: germline.
Comment: This sequence change replaces aspartic acid with asparagine at codon 894 of the LTBP2 protein (p.Asp894Asn). The aspartic acid residue is highly conserved and there is a small physicochemical difference between aspartic acid and asparagine. This variant is not present in population databases (ExAC no frequency). This variant has not been reported in the literature in individuals affected with LTBP2-related conditions. Algorithms developed to predict the effect of missense changes on protein structure and function output the following: SIFT: "Tolerated"; PolyPhen-2: "Benign"; Align-GVGD: "Class C0". The asparagine amino acid residue is found in multiple mammalian species, which suggests that this missense change does not adversely affect protein function. In summary, the available evidence is currently insufficient to determine the role of this variant in disease. Therefore, it has been classified as a Variant of Uncertain Significance.